The following is an entry in ClinVar:

ClinVar aggregate classification (germline): Uncertain significance. Review status: criteria provided, multiple submitters, no conflicts (2 of 4 stars). 2 submissions from 2 submitters: Uncertain significance (2). Last evaluated 2024-02-24.

Conditions:
NEDD4L-related disorder. Also called: NEDD4L-related condition.

Submissions (2):

Labcorp Genetics (formerly Invitae), Labcorp
Classification: Uncertain significance. Last evaluated: 2024-02-24. Review status: criteria provided, single submitter. Criteria: Invitae Variant Classification Sherloc (09022015). Collection method: clinical testing. Allele origin: germline.
Comment: This sequence change replaces serine, which is neutral and polar, with asparagine, which is neutral and polar, at codon 164 of the NEDD4L protein (p.Ser164Asn). This variant is not present in population databases (gnomAD no frequency). This variant has not been reported in the literature in individuals affected with NEDD4L-related conditions. ClinVar contains an entry for this variant (Variation ID: 1370973). Advanced modeling of protein sequence and biophysical properties (such as structural, functional, and spatial information, amino acid conservation, physicochemical variation, residue mobility, and thermodynamic stability) performed at Invitae indicates that this missense variant is not expected to disrupt NEDD4L protein function with a negative predictive value of 80%. In summary, the available evidence is currently insufficient to determine the role of this variant in disease. Therefore, it has been classified as a Variant of Uncertain Significance.

PreventionGenetics, part of Exact Sciences
Classification: Uncertain significance for NEDD4L-related condition. Last evaluated: 2022-11-16. Review status: criteria provided, single submitter. Criteria: ACMG Guidelines, 2015. Collection method: clinical testing. Allele origin: germline.
Comment: The NEDD4L c.491G>A variant is predicted to result in the amino acid substitution p.Ser164Asn. To our knowledge, this variant has not been reported in the literature or in a large population database, indicating this variant is rare. At this time, the clinical significance of this variant is uncertain due to the absence of conclusive functional and genetic evidence.

NM_001144967.3(NEDD4L):c.491G>A (p.Ser164Asn)

Gene: NEDD4L (NEDD4 like E3 ubiquitin protein ligase; plus strand). Cytogenetic location: 18q21.31.
Variant type: single nucleotide variant.
Coding change: c.491G>A on transcript NM_001144967.3 (MANE Select); coding-DNA position 491, G replaced by A.
Protein change: p.Ser164Asn; replaces serine 164 with asparagine.
Molecular consequence: missense variant.
Genome position (GRCh38, 1-based): chr18:58,323,312, G>A. VCF-style: chr18-58323312-G-A. GRCh37 (hg19) VCF-style: chr18-55990544-G-A.
Other names: c.128G>A, p.Ser43Asn (NM_001144964.1, NM_001144965.2, NM_001144966.3 and 2 more transcripts); c.467G>A, p.Ser156Asn (NM_001144968.2, NM_001144969.2); c.491G>A, p.Ser164Asn (NM_001243960.2, NM_015277.6); c.491G>A (NM_015277.5); short protein forms S43N, S156N, S164N.
Identifiers: ClinVar variation 1370973 (VCV001370973.8), dbSNP rs2149493416, ClinGen allele CA402552179.